The following is an entry in ClinVar:

NM_007194.4(CHEK2):c.1594del (p.Thr532fs)

Gene: CHEK2 (checkpoint kinase 2; minus strand). Cytogenetic location: 22q12.1.
Variant type: Deletion.
Coding change: c.1594del on transcript NM_007194.4 (MANE Select); coding-DNA position 1594, one base deleted (A; older notation c.1594delA).
Protein change: p.Thr532fs; shifts the reading frame from threonine 532.
Molecular consequence: frameshift variant.
Genome position (GRCh38, 1-based): chr22:28,687,935, T deleted on the plus strand (A on the coding strand, the reverse complement: CHEK2 is on the minus strand). VCF-style (leftmost placement, unchanged base first): chr22-28687934-GT-G. GRCh37 (hg19) VCF-style: chr22-29083922-GT-G.
Other names: c.1636del, p.Thr546fs (NM_001438294.1); c.1600del, p.Thr534fs (NM_001438295.1); c.1507del, p.Thr503fs (NM_145862.3); c.1723del, p.Thr575fs (NM_001005735.3); c.931del, p.Thr311fs (NM_001257387.3, NM_001437942.1); c.1393del, p.Thr465fs (NM_001349956.3); c.1687del, p.Thr563fs (NM_001438293.1); short protein forms T311fs, T465fs, T532fs, T546fs, T575fs, T503fs, T534fs, T563fs.
Identifiers: ClinVar variation 4731670 (VCV004731670.1).
Genomic context (GRCh38, chr22:28,687,934, plus strand): 5'-CTTTCGTGTTCAAACCACGGAGTTCACAACACAGCAGCACACACAGCTGGGCGCTTTGTG[GT>G]CTCGGCACCCTCGGCTTCCCCTTCACGGGGCCGCTTTCGACTAGTAGAAGGCTGAAAATA-3'

ClinVar aggregate classification (germline): Uncertain significance (1 of 4 stars; one submission).

Conditions:
Familial cancer of breast. Also called: Hereditary breast cancer; hereditary breast carcinoma; BREAST CANCER, FAMILIAL. Identifiers: Orphanet 227535, MedGen C0346153, MONDO:0016419, OMIM 114480. Disease mechanism: loss of function.

Submission:

Labcorp Genetics (formerly Invitae), Labcorp
Classification: Uncertain significance for Familial cancer of breast. Last evaluated: 2025-11-22. Review status: criteria provided, single submitter. Criteria: Invitae Variant Classification Sherloc (09022015). Collection method: clinical testing. Allele origin: germline.
Comment: This sequence change is expected to alter the c-terminus of the CHEK2 protein (p.Thr532Profs*34). While this is not anticipated to result in nonsense mediated decay, it is expected to disrupt the last 12 amino acid(s) of the CHEK2 protein and extend the protein by 22 additional amino acid residues. This variant is not present in population databases (gnomAD no frequency). This variant has not been reported in the literature in individuals affected with CHEK2-related conditions. Experimental studies and prediction algorithms are not available or were not evaluated, and the functional significance of this variant is currently unknown. In summary, the available evidence is currently insufficient to determine the role of this variant in disease. Therefore, it has been classified as a Variant of Uncertain Significance.